The following is an entry in ClinVar:

ClinVar aggregate classification (germline): Pathogenic/Likely pathogenic. Review status: criteria provided, multiple submitters, no conflicts (2 of 4 stars). 2 submissions from 2 submitters: Pathogenic (1); Likely pathogenic (1). Last evaluated 2024-06-12.

Conditions:
Brain small vessel disease 1 with or without ocular anomalies (BSVD1). Also called: BRAIN SMALL VESSEL DISEASE WITH HEMORRHAGE; Brain small vessel disease with or without ocular anomalies; GOULD SYNDROME 1; PORENCEPHALY, TYPE 1, AUTOSOMAL DOMINANT. Identifiers: Orphanet 2940, Orphanet 36383, Orphanet 99810, MedGen C4755307, MONDO:0008289, OMIM 175780.
Hemorrhage, intracerebral, susceptibility to (ICH). Also called: Stroke, hemorrhagic, susceptibility to. Identifiers: MedGen C3281105, MONDO:0100533, OMIM 614519.
Retinal arterial tortuosity. Also called: RETINAL HEMORRHAGE WITH VASCULAR TORTUOSITY; Retinal arteries, tortuosity of. Identifiers: Orphanet 75326, MedGen C0423401, MONDO:0008373, OMIM 180000, HP:0000631.
Autosomal dominant familial hematuria-retinal arteriolar tortuosity-contractures syndrome. Also called: Angiopathy, hereditary, with nephropathy, aneurysms, and muscle cramps; Hereditary Angiopathy with Nephropathy, Aneurysms, and Muscle Cramps (HANAC) Syndrome. Identifiers: Orphanet 73229, MedGen C2673195, MONDO:0012726, OMIM 611773.
Microangiopathy and leukoencephalopathy, pontine, autosomal dominant. Also called: DEMENTIA, HEREDITARY MULTI-INFARCT, SWEDISH TYPE; Pontine autosomal dominant microangiopathy with leukoencephalopathy. Identifiers: Orphanet 477749, MedGen C5231411, MONDO:0032814, OMIM 618564.

Submissions (2):

Labcorp Genetics (formerly Invitae), Labcorp
Classification: Pathogenic. Last evaluated: 2024-06-12. Review status: criteria provided, single submitter. Criteria: Invitae Variant Classification Sherloc (09022015). Collection method: clinical testing. Allele origin: germline.
Comment: This sequence change creates a premature translational stop signal (p.Lys757Hisfs*24) in the COL4A1 gene. It is expected to result in an absent or disrupted protein product. Loss-of-function variants in COL4A1 are known to be pathogenic (PMID: 23225343). This variant is not present in population databases (gnomAD no frequency). This variant has not been reported in the literature in individuals affected with COL4A1-related conditions. For these reasons, this variant has been classified as Pathogenic.

Fulgent Genetics
Classification: Likely pathogenic for Brain small vessel disease 1 with or without ocular anomalies; Retinal arterial tortuosity; Autosomal dominant familial hematuria-retinal arteriolar tortuosity-contractures syndrome; Hemorrhage, intracerebral, susceptibility to; Microangiopathy and leukoencephalopathy, pontine, autosomal dominant. Last evaluated: 2024-01-09. Review status: criteria provided, single submitter. Criteria: ACMG Guidelines, 2015. Collection method: clinical testing. Allele origin: germline.

Literature cited by the submitters: PubMed 23225343 (cited by Labcorp Genetics (formerly Invitae), Labcorp).

NM_001845.6(COL4A1):c.2269_2276del (p.Lys757fs)

Gene: COL4A1 (collagen type IV alpha 1 chain; minus strand). Cytogenetic location: 13q34.
Variant type: Deletion.
Coding change: c.2269_2276del on transcript NM_001845.6 (MANE Select); coding-DNA positions 2269 to 2276, 8 bases deleted (AAGGGGAG; older notation c.2269_2276delAAGGGGAG).
Protein change: p.Lys757fs; shifts the reading frame from lysine 757.
Molecular consequence: frameshift variant.
Genome position (GRCh38, 1-based): chr13:110,179,339-110,179,346, CTCCCCTT deleted on the plus strand (AAGGGGAG on the coding strand, the reverse complement: COL4A1 is on the minus strand); deleting any 8 consecutive bases within chr13:110,179,339-110,179,352 gives the same sequence; the c. name uses the placement nearest the transcript's 3' end. VCF-style (leftmost placement, unchanged base first): chr13-110179338-GCTCCCCTT-G. GRCh37 (hg19) VCF-style: chr13-110831685-GCTCCCCTT-G.
Other names: short protein forms K757fs.
Identifiers: ClinVar variation 3575715 (VCV003575715.3).